The following is an entry in ClinVar:

ClinVar aggregate classification (germline): Likely pathogenic (1 of 4 stars; one submission).

Conditions:
Mucopolysaccharidosis, MPS-III-C (MPS3C). Also called: MPS IIIC (Sanfilippo Syndrome Type C); SANFILIPPO SYNDROME C; MPS III C; Mucopolysaccharidosis type IIIC (Sanfilippo C); MUCOPOLYSACCHARIDOSIS, TYPE IIIC; mucopolysaccharidosis type 3C. Identifiers: Orphanet 581, Orphanet 79271, MedGen C0086649, MONDO:0009657, OMIM 252930.

Submission:

Natera, Inc.
Classification: Likely pathogenic for Mucopolysaccharidosis type IIIC. Last evaluated: 2025-07-25. Review status: criteria provided, single submitter. Criteria: Natera Variant Classification Schema (03/2026). Collection method: clinical testing. Allele origin: germline.
Comment: The c.381C>G variant in HGSNAT is a nonsense variant predicted to introduce a stop codon at amino acid 127. This variant is expected to result in nonsense mediated decay, truncation, or a dysfunctional protein product. This variant is rare in the general population with a frequency below the threshold expected for the associated phenotype(s). Given the available evidence, this variant is classified as Likely Pathogenic.

NM_152419.3(HGSNAT):c.381C>G (p.Tyr127Ter)

Gene: HGSNAT (heparan-alpha-glucosaminide N-acetyltransferase; plus strand). Cytogenetic location: 8p11.21.
Variant type: single nucleotide variant.
Coding change: c.381C>G on transcript NM_152419.3 (MANE Select); coding-DNA position 381, C replaced by G.
Protein change: p.Tyr127Ter; replaces tyrosine 127 with a stop codon.
Molecular consequence: nonsense. On other transcripts: 5 prime UTR variant (1).
Genome position (GRCh38, 1-based): chr8:43,158,932, C>G. VCF-style: chr8-43158932-C-G. GRCh37 (hg19) VCF-style: chr8-43014075-C-G.
Other names: c.381C>G, p.Tyr127Ter (NM_001363227.2, NM_001363228.2); c.-453C>G (NM_001363229.2); short protein forms Y127*.
Identifiers: ClinVar variation 4816873 (VCV004816873.1).